The following is an entry in ClinVar:

ClinVar aggregate classification (germline): Uncertain significance. Review status: criteria provided, multiple submitters, no conflicts (2 of 4 stars). 2 submissions from 2 submitters: Uncertain significance (2). Last evaluated 2023-09-21.

Conditions:
Charcot-Marie-Tooth disease dominant intermediate C (CMTDIC). Also called: CHARCOT-MARIE-TOOTH NEUROPATHY, DOMINANT INTERMEDIATE C. Identifiers: Orphanet 100045, MedGen C1842237, MONDO:0012012, OMIM 608323.

Allele frequency attached by ClinVar (database versions not stated): TOPMed below 0.00001; ExAC 0.00001; gnomAD exomes 0.00001.
gnomAD v4.1: 4 of 1,614,144 alleles (0.00025%); highest among the groups gnomAD compares: Admixed American, 0.0017%; no homozygotes.

Submissions (2):

Labcorp Genetics (formerly Invitae), Labcorp
Classification: Uncertain significance for Charcot-Marie-Tooth disease dominant intermediate C. Last evaluated: 2023-09-21. Review status: criteria provided, single submitter. Criteria: Invitae Variant Classification Sherloc (09022015). Collection method: clinical testing. Allele origin: germline.
Comment: In summary, the available evidence is currently insufficient to determine the role of this variant in disease. Therefore, it has been classified as a Variant of Uncertain Significance. Advanced modeling of protein sequence and biophysical properties (such as structural, functional, and spatial information, amino acid conservation, physicochemical variation, residue mobility, and thermodynamic stability) performed at Invitae indicates that this missense variant is not expected to disrupt YARS protein function. This variant has not been reported in the literature in individuals affected with YARS-related conditions. This variant is present in population databases (rs756253717, gnomAD 0.003%). This sequence change replaces threonine, which is neutral and polar, with isoleucine, which is neutral and non-polar, at codon 508 of the YARS protein (p.Thr508Ile).

Breakthrough Genomics
Classification: Uncertain significance. Review status: criteria provided, single submitter. Criteria: ACMG Guidelines, 2015. Collection method: not provided. Allele origin: germline. Inheritance: Autosomal recessive inheritance. Affected: yes.

NM_003680.4(YARS1):c.1523C>T (p.Thr508Ile)

Gene: YARS1 (tyrosyl-tRNA synthetase 1; minus strand). Cytogenetic location: 1p35.1.
Variant type: single nucleotide variant.
Coding change: c.1523C>T on transcript NM_003680.4 (MANE Select); coding-DNA position 1523, C replaced by T.
Protein change: p.Thr508Ile; replaces threonine 508 with isoleucine.
Molecular consequence: missense variant.
Genome position (GRCh38, 1-based): chr1:32,776,045, G>A on the plus strand (C>T on the coding strand, the complement: YARS1 is on the minus strand). VCF-style: chr1-32776045-G-A. GRCh37 (hg19) VCF-style: chr1-33241646-G-A.
Other names: short protein forms T508I.
Identifiers: ClinVar variation 2884438 (VCV002884438.4), dbSNP rs756253717, ClinGen allele CA744864.